The following is an entry in ClinVar:

NM_017636.4(TRPM4):c.3148G>A (p.Val1050Ile)

Gene: TRPM4 (transient receptor potential cation channel subfamily M member 4; plus strand). Cytogenetic location: 19q13.33.
Variant type: single nucleotide variant.
Coding change: c.3148G>A on transcript NM_017636.4 (MANE Select); coding-DNA position 3148, G replaced by A.
Protein change: p.Val1050Ile; replaces valine 1050 with isoleucine.
Molecular consequence: missense variant.
Genome position (GRCh38, 1-based): chr19:49,210,225, G>A. VCF-style: chr19-49210225-G-A. GRCh37 (hg19) VCF-style: chr19-49713482-G-A.
Other names: c.2713G>A, p.Val905Ile (NM_001195227.2); c.2803G>A, p.Val935Ile (NM_001321281.2); c.1540G>A, p.Val514Ile (NM_001321282.2); c.2626G>A, p.Val876Ile (NM_001321283.2); c.2086G>A, p.Val696Ile (NM_001321285.2); short protein forms V514I, V1050I, V876I, V905I, V696I, V935I.
Identifiers: ClinVar variation 2497044 (VCV002497044.5), dbSNP rs2514238143, ClinGen allele CA406771506.

ClinVar aggregate classification (germline): Uncertain significance. Review status: criteria provided, multiple submitters, no conflicts (2 of 4 stars). 2 submissions from 2 submitters: Uncertain significance (2). Last evaluated 2022-12-11.

Conditions:
Cardiovascular phenotype. Identifiers: MedGen CN230736.
Progressive familial heart block type IB (PFHB1B). Identifiers: Orphanet 871, MedGen C1970298, MONDO:0011474, OMIM 604559.

Allele frequency attached by ClinVar (database versions not stated): gnomAD exomes below 0.00001.
gnomAD v4.1: 1 of 1,614,250 alleles (0.000062%); highest among the groups gnomAD compares: Non-Finnish European, 0.000085%; no homozygotes.

Submissions (2):

Labcorp Genetics (formerly Invitae), Labcorp
Classification: Uncertain significance for Progressive familial heart block type IB. Last evaluated: 2022-12-11. Review status: criteria provided, single submitter. Criteria: Invitae Variant Classification Sherloc (09022015). Collection method: clinical testing. Allele origin: germline.
Comment: In summary, the available evidence is currently insufficient to determine the role of this variant in disease. Therefore, it has been classified as a Variant of Uncertain Significance. Algorithms developed to predict the effect of missense changes on protein structure and function are either unavailable or do not agree on the potential impact of this missense change (SIFT: "Tolerated"; PolyPhen-2: "Probably Damaging"; Align-GVGD: "Class C0"). This variant has not been reported in the literature in individuals affected with TRPM4-related conditions. This variant is not present in population databases (gnomAD no frequency). This sequence change replaces valine, which is neutral and non-polar, with isoleucine, which is neutral and non-polar, at codon 1050 of the TRPM4 protein (p.Val1050Ile).

Ambry Genetics
Classification: Uncertain significance for Cardiovascular phenotype. Last evaluated: 2022-11-04. Review status: criteria provided, single submitter. Criteria: Ambry Variant Classification Scheme 2023. Collection method: clinical testing. Allele origin: germline.
Comment: The p.V1050I variant (also known as c.3148G>A), located in coding exon 21 of the TRPM4 gene, results from a G to A substitution at nucleotide position 3148. The valine at codon 1050 is replaced by isoleucine, an amino acid with highly similar properties. This amino acid position is conserved. In addition, this alteration is predicted to be tolerated by in silico analysis. Since supporting evidence is limited at this time, the clinical significance of this alteration remains unclear.